The following continues an entry in ClinVar:

NM_000059.4(BRCA2):c.8548_8551del (p.Glu2850fs)

Gene: BRCA2. ClinVar aggregate classification (germline): Pathogenic. Pathogenic (1).

Submissions 11 to 15 of 15:

Women's Health and Genetics/Laboratory Corporation of America, LabCorp
Classification: Pathogenic for Hereditary breast and ovarian cancer syndrome. Last evaluated: 2019-07-18. Review status: criteria provided, single submitter. Criteria: LabCorp Variant Classification Summary - May 2015. Collection method: clinical testing. Allele origin: germline. Not counted in ClinVar's aggregate classification.
Comment: Variant summary: BRCA2 c.8548_8551delGAAG (p.Glu2850GlnfsX12) results in a premature termination codon, predicted to cause a truncation of the encoded protein or absence of the protein due to nonsense mediated decay, which are commonly known mechanisms for disease. Truncations downstream of this position have been classified as pathogenic by our laboratory. The variant was absent in 254744 control chromosomes. c.8548_8551delGAAG has been reported in the literature in individuals affected with Hereditary Breast and Ovarian Cancer (Caux-Moncoutier_2011, Li_2018, Palmero_2018). These data indicate that the variant may be associated with disease. To our knowledge, no experimental evidence demonstrating an impact on protein function has been reported. Seven clinical diagnostic laboratories have submitted clinical-significance assessments for this variant to ClinVar after 2014 without evidence for independent evaluation. All laboratories classified the variant as pathogenic. Based on the evidence outlined above, the variant was classified as pathogenic.

Quest Diagnostics Nichols Institute San Juan Capistrano
Classification: Pathogenic. Last evaluated: 2018-06-08. Review status: criteria provided, single submitter. Criteria: Quest Diagnostics criteria. Collection method: clinical testing. Allele origin: germline. Not counted in ClinVar's aggregate classification.

ARUP Laboratories, Molecular Genetics and Genomics, ARUP Laboratories
Classification: Pathogenic. Last evaluated: 2017-06-20. Review status: criteria provided, single submitter. Criteria: ARUP Molecular Germline Variant Investigation Process. Collection method: clinical testing. Allele origin: germline. Not counted in ClinVar's aggregate classification.
Comment: The BRCA2 c.8548_8551delGAAG; p.Glu2850fs variant (rs397507406) has been reported in at least one individual with a personal and/or family history of breast and/or ovarian cancer (Caux-Moncoutier 2011). This variant is reported in ClinVar as pathogenic (Variation ID: 38167), and is absent from general population databases (1000 Genomes Project, Exome Variant Server, Genome Aggregation Database). This variant creates a frameshift and is predicted to result in a truncated protein or absent transcript. Taken together, this variant is considered pathogenic. REFERENCES Link to ClinVar database for c.8548_8551delGAAG: Caux-Moncoutier V et al. EMMA, a cost- and time-effective diagnostic method for simultaneous detection of point mutations and large-scale genomic rearrangements: application to BRCA1 and BRCA2 in 1,525 patients. Hum Mutat. 2011 Mar;32(3):325-34.

Counsyl
Classification: Pathogenic for Breast-ovarian cancer, familial, susceptibility to, 2. Last evaluated: 2017-05-12. Review status: no assertion criteria provided. Collection method: clinical testing. Allele origin: unknown. Not counted in ClinVar's aggregate classification.

Sharing Clinical Reports Project (SCRP)
Classification: Pathogenic for Breast-ovarian cancer, familial 2. Last evaluated: 2012-02-16. Review status: no assertion criteria provided. Collection method: clinical testing. Allele origin: germline. Not counted in ClinVar's aggregate classification.

Literature cited by the submitters: PubMed 21120943 (cited by 6 submitters); PubMed 29907814 (cited by 5 submitters); PubMed 20104584 (cited by Labcorp Genetics (formerly Invitae), Labcorp); PubMed 25151137 (cited by 4 submitters); PubMed 30078507 (cited by 4 submitters); PubMed 27721756 (cited by Women's Health and Genetics/Laboratory Corporation of America, LabCorp).